The following is an entry in ClinVar:

NM_000548.5(TSC2):c.2640-16C>T

Gene: TSC2 (TSC complex subunit 2; plus strand). Cytogenetic location: 16p13.3.
Variant type: single nucleotide variant.
Coding change: c.2640-16C>T on transcript NM_000548.5 (MANE Select); 16 bases into the intron before coding-DNA position 2640, C replaced by T.
Molecular consequence: intron variant.
Genome position (GRCh38, 1-based): chr16:2,076,052, C>T. VCF-style: chr16-2076052-C-T. GRCh37 (hg19) VCF-style: chr16-2126053-C-T.
Other names: c.2040-16C>T (NM_001406680.1, NM_001406683.1, NM_001406687.1 and 6 more transcripts); c.1296-16C>T (NM_001406689.1, NM_001406690.1, NM_001406692.1 and 6 more transcripts); c.2730-16C>T (NM_001406667.1, NM_001406668.1); c.1038-16C>T (NM_001406698.1); c.2640-16C>T (NM_001114382.3, NM_001406663.1, NM_001406664.1 and 6 more transcripts); c.2628-16C>T (NM_001406671.1, NM_001406673.1); c.2178-16C>T (NM_001406681.1); c.2529-16C>T (NM_001406670.1, NM_001318827.2, NM_001406678.1); and 3 more.
Identifiers: ClinVar variation 3683899 (VCV003683899.3).
Genomic context (GRCh38, chr16:2,076,052, plus strand): 5'-TCGGTTTTTTGCACTTCATGCCCTGGGGATGTTTCCCTGCTGCCAGGATGGAGTGCCAGC[C>T]CCCTTCTCATCTCAGGTTTAATCAGTACATCGTGTGTCTGGCCCATCACGTCATAGCCAT-3'

ClinVar aggregate classification (germline): Likely benign. Review status: criteria provided, multiple submitters, no conflicts (2 of 4 stars). 2 submissions from 2 submitters: Likely benign (2). Last evaluated 2025-05-21.

Conditions:
Tuberous sclerosis 2 (TSC2). Identifiers: Orphanet 805, MedGen C1860707, MONDO:0013199, OMIM 613254.

gnomAD v4.1: 1 of 1,613,894 alleles (0.000062%); highest among the groups gnomAD compares: Non-Finnish European, 0.000085%; no homozygotes.

Submissions (2):

Myriad Genetics, Inc.
Classification: Likely benign for Tuberous sclerosis 2. Last evaluated: 2025-05-21. Review status: criteria provided, single submitter. Criteria: Myriad Autosomal Dominant, Autosomal Recessive and X-Linked Classification Criteria (2023). Collection method: clinical testing. Allele origin: unknown.
Comment: This variant is considered likely benign. This variant is intronic and is not expected to impact mRNA splicing.

Labcorp Genetics (formerly Invitae), Labcorp
Classification: Likely benign for Tuberous sclerosis 2. Last evaluated: 2024-10-12. Review status: criteria provided, single submitter. Criteria: Invitae Variant Classification Sherloc (09022015). Collection method: clinical testing. Allele origin: germline.